The following is an entry in ClinVar:

ClinVar aggregate classification (germline): Uncertain significance. Review status: criteria provided, multiple submitters, no conflicts (2 of 4 stars). 2 submissions from 2 submitters: Uncertain significance (2). Last evaluated 2023-08-04.

Conditions:
Hereditary cancer-predisposing syndrome. Also called: Neoplastic Syndromes, Hereditary; Tumor predisposition; Hereditary neoplastic syndrome; Hereditary Cancer Syndrome. Identifiers: Orphanet 140162, MedGen C0027672, MeSH D009386, MONDO:0015356.
Fanconi anemia (FA). Also called: Fanconi's anemia. Identifiers: Orphanet 84, MedGen C0015625, MeSH D005199, MONDO:0019391.

Allele frequency attached by ClinVar (database versions not stated): gnomAD exomes below 0.00001 and 0.00001; ExAC 0.00001.
gnomAD v4.1: 3 of 1,614,158 alleles (0.00019%); highest among the groups gnomAD compares: South Asian, 0.0033%; no homozygotes.

Submissions (2):

Labcorp Genetics (formerly Invitae), Labcorp
Classification: Uncertain significance for Fanconi anemia. Last evaluated: 2023-08-04. Review status: criteria provided, single submitter. Criteria: Invitae Variant Classification Sherloc (09022015). Collection method: clinical testing. Allele origin: germline.
Comment: This sequence change replaces serine, which is neutral and polar, with asparagine, which is neutral and polar, at codon 460 of the FANCC protein (p.Ser460Asn). This variant is present in population databases (rs748938789, gnomAD 0.003%). This variant has not been reported in the literature in individuals affected with FANCC-related conditions. ClinVar contains an entry for this variant (Variation ID: 1369398). Advanced modeling of protein sequence and biophysical properties (such as structural, functional, and spatial information, amino acid conservation, physicochemical variation, residue mobility, and thermodynamic stability) performed at Invitae indicates that this missense variant is not expected to disrupt FANCC protein function. In summary, the available evidence is currently insufficient to determine the role of this variant in disease. Therefore, it has been classified as a Variant of Uncertain Significance.

Ambry Genetics
Classification: Uncertain significance for Hereditary cancer-predisposing syndrome. Last evaluated: 2023-04-05. Review status: criteria provided, single submitter. Criteria: Ambry Variant Classification Scheme 2023. Collection method: clinical testing. Allele origin: germline.
Comment: The p.S460N variant (also known as c.1379G>A), located in coding exon 13 of the FANCC gene, results from a G to A substitution at nucleotide position 1379. The serine at codon 460 is replaced by asparagine, an amino acid with highly similar properties. This amino acid position is poorly conserved in available vertebrate species. In addition, this alteration is predicted to be tolerated by in silico analysis. Since supporting evidence is limited at this time, the clinical significance of this alteration remains unclear.

NM_000136.3(FANCC):c.1379G>A (p.Ser460Asn)

Genes: AOPEP (aminopeptidase O (putative); plus strand), FANCC (FA complementation group C; minus strand). Cytogenetic location: 9q22.32.
Variant type: single nucleotide variant.
Coding change: c.1379G>A on transcript NM_000136.3 (MANE Select); coding-DNA position 1379, G replaced by A.
Protein change: p.Ser460Asn; replaces serine 460 with asparagine.
Molecular consequence: missense variant.
Genome position (GRCh38, 1-based): chr9:95,107,220, C>T on the plus strand (G>A on the coding strand, the complement: FANCC is on the minus strand). VCF-style: chr9-95107220-C-T. GRCh37 (hg19) VCF-style: chr9-97869502-C-T.
Other names: c.1379G>A, p.Ser460Asn (NM_001243743.2); c.1379G>A (NM_000136.2); short protein forms S460N.
Identifiers: ClinVar variation 1369398 (VCV001369398.9), dbSNP rs748938789, ClinGen allele CA5137338.